The following is an entry in ClinVar:

ClinVar aggregate classification (germline): Uncertain significance. Review status: criteria provided, multiple submitters, no conflicts (2 of 4 stars). 2 submissions from 2 submitters: Uncertain significance (2). Last evaluated 2026-01-06.

Conditions:
Spastic paraplegia. Identifiers: MedGen C0037772, HP:0001258.

Allele frequency attached by ClinVar (database versions not stated): gnomAD exomes below 0.00001; TOPMed below 0.00001.
gnomAD v4.1: 2 of 1,614,128 alleles (0.00012%); highest among the groups gnomAD compares: Non-Finnish European, 0.00017%; no homozygotes.

Submissions (2):

GeneDx
Classification: Uncertain significance. Last evaluated: 2026-01-06. Review status: criteria provided, single submitter. Criteria: GeneDx Variant Classification Process June 2021. Collection method: clinical testing. Allele origin: germline.
Comment: Not observed at significant frequency in large population cohorts (gnomAD); In silico analysis supports that this missense variant has a deleterious effect on protein structure/function; Has not been previously published as pathogenic or benign to our knowledge

Labcorp Genetics (formerly Invitae), Labcorp
Classification: Uncertain significance for Spastic paraplegia. Last evaluated: 2022-09-19. Review status: criteria provided, single submitter. Criteria: Invitae Variant Classification Sherloc (09022015). Collection method: clinical testing. Allele origin: germline.
Comment: In summary, the available evidence is currently insufficient to determine the role of this variant in disease. Therefore, it has been classified as a Variant of Uncertain Significance. Advanced modeling of protein sequence and biophysical properties (such as structural, functional, and spatial information, amino acid conservation, physicochemical variation, residue mobility, and thermodynamic stability) has been performed at Invitae for this missense variant, however the output from this modeling did not meet the statistical confidence thresholds required to predict the impact of this variant on HSPD1 protein function. This variant has not been reported in the literature in individuals affected with HSPD1-related conditions. This variant is not present in population databases (gnomAD no frequency). This sequence change replaces arginine, which is basic and polar, with glutamine, which is neutral and polar, at codon 37 of the HSPD1 protein (p.Arg37Gln).

NM_002156.5(HSPD1):c.110G>A (p.Arg37Gln)

Gene: HSPD1 (heat shock protein family D (Hsp60) member 1; minus strand). Cytogenetic location: 2q33.1.
Variant type: single nucleotide variant.
Coding change: c.110G>A on transcript NM_002156.5 (MANE Select); coding-DNA position 110, G replaced by A.
Protein change: p.Arg37Gln; replaces arginine 37 with glutamine.
Molecular consequence: missense variant.
Genome position (GRCh38, 1-based): chr2:197,498,739, C>T on the plus strand (G>A on the coding strand, the complement: HSPD1 is on the minus strand). VCF-style: chr2-197498739-C-T. GRCh37 (hg19) VCF-style: chr2-198363463-C-T.
Other names: c.110G>A (NM_002156.4); c.110G>A, p.Arg37Gln (NM_199440.2); short protein forms R37Q.
Identifiers: ClinVar variation 2143895 (VCV002143895.6), dbSNP rs2086194196, ClinGen allele CA350204176.